The following is an entry in ClinVar:

ClinVar aggregate classification (germline): Uncertain significance (1 of 4 stars; one submission).

Conditions:
Gorlin syndrome. Also called: Basal cell nevus syndrome; Nevoid Basal Cell Carcinoma Syndrome. Identifiers: Orphanet 377, MedGen C0004779, MONDO:0007187.

Submission:

Labcorp Genetics (formerly Invitae), Labcorp
Classification: Uncertain significance for Gorlin syndrome. Last evaluated: 2025-05-05. Review status: criteria provided, single submitter. Criteria: Invitae Variant Classification Sherloc (09022015). Collection method: clinical testing. Allele origin: germline.
Comment: This variant, c.3051_3053del, is a complex sequence change that results in the deletion of 2 and insertion of 1 amino acid(s) in the PTCH1 protein (p.Phe1017_Trp1018delinsLeu). This variant is not present in population databases (gnomAD no frequency). This variant has not been reported in the literature in individuals affected with PTCH1-related conditions. ClinVar contains an entry for this variant (Variation ID: 2089841). Experimental studies and prediction algorithms are not available or were not evaluated, and the functional significance of this variant is currently unknown. In summary, the available evidence is currently insufficient to determine the role of this variant in disease. Therefore, it has been classified as a Variant of Uncertain Significance.

NM_000264.5(PTCH1):c.3051_3053del (p.Phe1017_Trp1018delinsLeu)

Gene: PTCH1 (patched 1; minus strand). Cytogenetic location: 9q22.32.
Variant type: Deletion.
Coding change: c.3051_3053del on transcript NM_000264.5 (MANE Select); coding-DNA positions 3051 to 3053, 3 bases deleted (CTG; older notation c.3051_3053delCTG).
Protein change: p.Phe1017_Trp1018delinsLeu.
Molecular consequence: inframe indel. On other transcripts: non-coding transcript variant (1).
Genome position (GRCh38, 1-based): chr9:95,458,128-95,458,130, CAG deleted on the plus strand (CTG on the coding strand, the reverse complement: PTCH1 is on the minus strand). VCF-style (leftmost placement, unchanged base first): chr9-95458127-CCAG-C. GRCh37 (hg19) VCF-style: chr9-98220409-CCAG-C.
Other names: c.2853_2855del, p.Phe951_Trp952delinsLeu (NM_001083602.3); c.3048_3050del, p.Phe1016_Trp1017delinsLeu (NM_001083603.3); c.2598_2600del, p.Phe866_Trp867delinsLeu (NM_001083604.3, NM_001083605.3, NM_001083606.3 and 1 more transcripts); c.2895_2897del, p.Phe965_Trp966delinsLeu (NM_001354918.2).
Identifiers: ClinVar variation 2089841 (VCV002089841.4), dbSNP rs2538067993, ClinGen allele CA2580080751.
Genomic context (GRCh38, chr9:95,458,127, plus strand): 5'-GCAGGCCAACACCACGCTGATGAACAGCAGCAGCCAGTGGCGGAGGCCGATGTACTGCTC[CCAG>C]AAGAGGAAGGGGTAGCCGTTGGGGTAACTGGACAGCCCCAGGCTCGTATAGTTGCTGCAG-3'